The following is an entry in ClinVar:

ClinVar aggregate classification (germline): Pathogenic (1 of 4 stars; one submission).

Conditions:
Tatton-Brown-Rahman overgrowth syndrome. Also called: Tall stature-intellectual disability-facial dysmorphism syndrome; Tatton-Brown-Rahman syndrome. Identifiers: Orphanet 404443, MedGen C4014545, MONDO:0014382, OMIM 615879.

Submission:

Labcorp Genetics (formerly Invitae), Labcorp
Classification: Pathogenic for Tatton-Brown-Rahman overgrowth syndrome. Last evaluated: 2023-09-10. Review status: criteria provided, single submitter. Criteria: Invitae Variant Classification Sherloc (09022015). Collection method: clinical testing. Allele origin: unknown.
Comment: A gross deletion of the genomic region encompassing the full coding sequence of the DNMT3A gene has been identified. Loss-of-function variants in DNMT3A are known to be pathogenic (PMID: 24614070). The boundaries of this event are unknown as they extend beyond the assayed region for this gene and therefore may encompass additional genes. Isolated whole-gene deletions of DNMT3A have not been reported in the literature. However, larger copy number events that include this gene have been reported (PMID: 26866722, 29900417). For these reasons, this variant has been classified as Pathogenic.

Literature cited by the submitters: PubMed 24614070; PubMed 26866722; PubMed 29900417.

NC_000002.11:g.(?_24443763)_(25536853_?)del

Genes: EFR3B (EFR3 homolog B; plus strand), ADCY3 (adenylate cyclase 3; minus strand), CENPO (centromere protein O; plus strand), DNAJC27 (DnaJ heat shock protein family (Hsp40) member C27; minus strand), DNMT3A (DNA methyltransferase 3 alpha; minus strand) and 4 more. Cytogenetic location: 2p23.3.
Variant type: Deletion.
Identifiers: ClinVar variation 3247406 (VCV003247406.1).